The following is an entry in ClinVar:

ClinVar aggregate classification (germline): Uncertain significance (1 of 4 stars; one submission).

Conditions:
Hereditary cancer-predisposing syndrome. Also called: Neoplastic Syndromes, Hereditary; Tumor predisposition; Hereditary neoplastic syndrome; Hereditary Cancer Syndrome. Identifiers: Orphanet 140162, MedGen C0027672, MeSH D009386, MONDO:0015356.

Submission:

Ambry Genetics
Classification: Uncertain significance for Hereditary cancer-predisposing syndrome. Last evaluated: 2026-07-24. Review status: criteria provided, single submitter. Criteria: Ambry Variant Classification Scheme 2023. Collection method: clinical testing. Allele origin: germline.
Comment: The p.D2527V variant (also known as c.7580A>T), located in coding exon 15 of the APC gene, results from an A to T substitution at nucleotide position 7580. The aspartic acid at codon 2527 is replaced by valine, an amino acid with highly dissimilar properties. This amino acid position is conserved. In addition, in silico predictors for this gene do not accurately predict pathogenicity. Based on the available evidence, the clinical significance of this variant remains unclear.

NM_000038.6(APC):c.7580A>T (p.Asp2527Val)

Gene: APC (APC regulator of Wnt signaling pathway; plus strand). Cytogenetic location: 5q22.2.
Variant type: single nucleotide variant.
Coding change: c.7580A>T on transcript NM_000038.6 (MANE Select); coding-DNA position 7580, A replaced by T.
Protein change: p.Asp2527Val; replaces aspartic acid 2527 with valine.
Molecular consequence: missense variant. On other transcripts: non-coding transcript variant (2).
Genome position (GRCh38, 1-based): chr5:112,843,174, A>T. VCF-style: chr5-112843174-A-T. GRCh37 (hg19) VCF-style: chr5-112178871-A-T.
Other names: c.7580A>T, p.Asp2527Val (NM_001127510.3, NM_001354895.2, NM_001407450.1); c.7526A>T, p.Asp2509Val (NM_001127511.3); c.7634A>T, p.Asp2545Val (NM_001354896.2, NM_001407447.1, NM_001407448.1 and 1 more transcripts); c.7610A>T, p.Asp2537Val (NM_001354897.2); c.7505A>T, p.Asp2502Val (NM_001354898.2); c.7496A>T, p.Asp2499Val (NM_001354899.2); c.7457A>T, p.Asp2486Val (NM_001354900.2); c.7403A>T, p.Asp2468Val (NM_001354901.2, NM_001407453.1); and 11 more; short protein forms D2367V, D2401V, D2509V, D2517V, D2537V, D2468V, D2502V, D2527V.
Identifiers: ClinVar variation 5025515 (VCV005025515.1).
Genomic context (GRCh38, chr5:112,843,174, plus strand): 5'-TCCCACCTAATCTCAGTCCCACTATAGAGTATAATGATGGAAGACCAGCAAAGCGCCATG[A>T]TATTGCACGGTCTCATTCTGAAAGTCCTTCTAGACTTCCAATCAATAGGTCAGGAACCTG-3'
Protein context (NP_000029.2, residues 2517-2537): YNDGRPAKRH[Asp2527Val]IARSHSESPS